The following is an entry in ClinVar:

ClinVar aggregate classification (germline): Pathogenic (1 of 4 stars; one submission).

Conditions:
Developmental and epileptic encephalopathy, 9 (DEE9). Also called: Early infantile epileptic encephalopathy 9; EPILEPSY, FEMALE-RESTRICTED, WITH MENTAL RETARDATION; PCDH19-Related X-Linked Female-Limited Epilepsy with Mental Retardation; JUBERG-HELLMAN SYNDROME. Identifiers: Orphanet 101039, Orphanet 2076, MedGen C1848137, MONDO:0010246, OMIM 300088. Disease mechanism: loss of function.

Submission:

Labcorp Genetics (formerly Invitae), Labcorp
Classification: Pathogenic for Developmental and epileptic encephalopathy, 9. Last evaluated: 2022-08-19. Review status: criteria provided, single submitter. Criteria: Invitae Variant Classification Sherloc (09022015). Collection method: clinical testing. Allele origin: germline.
Comment: This sequence change creates a premature translational stop signal (p.Glu172Glyfs*40) in the PCDH19 gene. It is expected to result in an absent or disrupted protein product. Loss-of-function variants in PCDH19 are known to be pathogenic (PMID: 21053371). This variant is not present in population databases (gnomAD no frequency). This variant has not been reported in the literature in individuals affected with PCDH19-related conditions. For these reasons, this variant has been classified as Pathogenic.

Literature cited by the submitters: PubMed 21053371.

NM_001184880.2(PCDH19):c.515del (p.Glu172fs)

Gene: PCDH19 (protocadherin 19; minus strand). Cytogenetic location: Xq22.1.
Variant type: Deletion.
Coding change: c.515del on transcript NM_001184880.2 (MANE Select); coding-DNA position 515, one base deleted (A; older notation c.515delA).
Protein change: p.Glu172fs; shifts the reading frame from glutamic acid 172.
Molecular consequence: frameshift variant.
Genome position (GRCh38, 1-based): chrX:100,408,083, T deleted on the plus strand (A on the coding strand, the reverse complement: PCDH19 is on the minus strand). VCF-style (leftmost placement, unchanged base first): chrX-100408082-CT-C. GRCh37 (hg19) VCF-style: chrX-99663080-CT-C.
Other names: c.515del, p.Glu172fs (NM_001105243.2, NM_020766.3); short protein forms E172fs.
Identifiers: ClinVar variation 2024723 (VCV002024723.4), dbSNP rs2520993527, ClinGen allele CA2580100079.
Genomic context (GRCh38, chrX:100,408,082, plus strand): 5'-CACCACGAGTTCGGCAAAGCGGGAGCCGTCGCCGCGCGTCTTGATCTCCAGGCCGAACAG[CT>C]CGTTGGGCGTGAGCTCGTAAGTCTGCACGCCAAAGCTTCCTGAGTCTGGATCGTAAGCGC-3'